The following is an entry in ClinVar:

ClinVar aggregate classification (germline): Pathogenic (1 of 4 stars; one submission).

Allele frequency attached by ClinVar (database versions not stated): TOPMed 0.00001.

Submission:

Labcorp Genetics (formerly Invitae), Labcorp
Classification: Pathogenic. Last evaluated: 2023-12-30. Review status: criteria provided, single submitter. Criteria: Invitae Variant Classification Sherloc (09022015). Collection method: clinical testing. Allele origin: germline.
Comment: This sequence change creates a premature translational stop signal (p.Trp3779Leufs*9) in the ADGRV1 gene. It is expected to result in an absent or disrupted protein product. Loss-of-function variants in ADGRV1 are known to be pathogenic (PMID: 19357117, 22135276, 22147658, 26226137, 30718709, 31047384, 32467589). This variant is not present in population databases (gnomAD no frequency). This variant has not been reported in the literature in individuals affected with ADGRV1-related conditions. For these reasons, this variant has been classified as Pathogenic.

Literature cited by the submitters: PubMed 19357117; PubMed 22135276; PubMed 22147658; PubMed 26226137; PubMed 30718709; PubMed 31047384; PubMed 32467589.

NM_032119.4(ADGRV1):c.11330_11331insA (p.Trp3779fs)

Gene: ADGRV1 (adhesion G protein-coupled receptor V1; plus strand). Cytogenetic location: 5q14.3.
Variant type: Insertion.
Coding change: c.11330_11331insA on transcript NM_032119.4 (MANE Select); coding-DNA positions 11330 to 11331, A inserted.
Protein change: p.Trp3779fs; shifts the reading frame from tryptophan 3779.
Molecular consequence: frameshift variant. On other transcripts: non-coding transcript variant (1).
Genome position: GRCh38 VCF-style: chr5-90753782-T-TA. GRCh37 (hg19) VCF-style: chr5-90049599-T-TA.
Other names: short protein forms W3779fs.
Identifiers: ClinVar variation 2748246 (VCV002748246.3), dbSNP rs1459943483, ClinGen allele CA815350116.